The following is an entry in ClinVar:

ClinVar aggregate classification (germline): Uncertain significance (1 of 4 stars; one submission).

Allele frequency attached by ClinVar (database versions not stated): gnomAD exomes below 0.00001; TOPMed 0.00001.
gnomAD v4.1: 1 of 1,614,220 alleles (0.000062%); highest among the groups gnomAD compares: Non-Finnish European, 0.000085%; no homozygotes.

Submission:

Labcorp Genetics (formerly Invitae), Labcorp
Classification: Uncertain significance. Last evaluated: 2025-04-21. Review status: criteria provided, single submitter. Criteria: Invitae Variant Classification Sherloc (09022015). Collection method: clinical testing. Allele origin: germline.
Comment: This sequence change replaces glutamine, which is neutral and polar, with arginine, which is basic and polar, at codon 789 of the CIT protein (p.Gln789Arg). This variant is not present in population databases (gnomAD no frequency). This variant has not been reported in the literature in individuals affected with CIT-related conditions. ClinVar contains an entry for this variant (Variation ID: 2806202). Invitae Evidence Modeling of protein sequence and biophysical properties (such as structural, functional, and spatial information, amino acid conservation, physicochemical variation, residue mobility, and thermodynamic stability) indicates that this missense variant is not expected to disrupt CIT protein function with a negative predictive value of 80%. In summary, the available evidence is currently insufficient to determine the role of this variant in disease. Therefore, it has been classified as a Variant of Uncertain Significance.

NM_001206999.2(CIT):c.2366A>G (p.Gln789Arg)

Gene: CIT (citron rho-interacting serine/threonine kinase; minus strand). Cytogenetic location: 12q24.23.
Variant type: single nucleotide variant.
Coding change: c.2366A>G on transcript NM_001206999.2 (MANE Select); coding-DNA position 2366, A replaced by G.
Protein change: p.Gln789Arg; replaces glutamine 789 with arginine.
Molecular consequence: missense variant.
Genome position (GRCh38, 1-based): chr12:119,760,994, T>C on the plus strand (A>G on the coding strand, the complement: CIT is on the minus strand). VCF-style: chr12-119760994-T-C. GRCh37 (hg19) VCF-style: chr12-120198798-T-C.
Other names: c.2240A>G, p.Gln747Arg (NM_007174.3); short protein forms Q789R, Q747R.
Identifiers: ClinVar variation 2806202 (VCV002806202.3), dbSNP rs1294611804, ClinGen allele CA386532934.